The following is an entry in ClinVar:

ClinVar aggregate classification (germline): Uncertain significance. Review status: criteria provided, multiple submitters, no conflicts (2 of 4 stars). 2 submissions from 2 submitters: Uncertain significance (2). Last evaluated 2023-07-06.

Conditions:
CACNB2-related disorder. Also called: CACNB2-related condition.

Allele frequency attached by ClinVar (database versions not stated): gnomAD exomes below 0.00001.

Submissions (2):

PreventionGenetics, part of Exact Sciences
Classification: Uncertain significance for CACNB2-related condition. Last evaluated: 2023-07-06. Review status: criteria provided, single submitter. Criteria: ACMG Guidelines, 2015. Collection method: clinical testing. Allele origin: germline.
Comment: The CACNB2 c.17delT variant is predicted to result in a frameshift and premature protein termination (p.Met6Serfs*21). To our knowledge, this variant has not been reported in the literature. This variant is reported in 0.0011% of alleles in individuals of European (Non-Finnish) descent in gnomAD. At this time, the clinical significance of this variant is uncertain due to the absence of conclusive functional and genetic evidence.

GeneDx
Classification: Uncertain significance. Last evaluated: 2014-07-10. Review status: criteria provided, single submitter. Criteria: GeneDx Variant Classification (06012015). Collection method: clinical testing. Allele origin: germline. Affected: yes.
Comment: The c.17delT variant has not been published as a mutation or reported as a benign polymorphism to our knowledge. This variant occurs in an alternate transcript of the CACNB2 gene. No definitive loss of function mutations in the CACNB2 gene have been reported in association with familial arrhythmia suggesting that haploinsufficiency may not be a disease mechanism for CACNB2-associated arrhythmia. Therefore, based on the currently available information, it is unclear whether this variant is a pathogenic mutation or a rare benign variant.

NM_201596.3(CACNB2):c.17del (p.Met6fs)

Gene: CACNB2 (calcium voltage-gated channel auxiliary subunit beta 2; plus strand). Cytogenetic location: 10p12.33.
Variant type: Deletion.
Coding change: c.17del on transcript NM_201596.3 (MANE Select); coding-DNA position 17, one base deleted (T; older notation c.17delT).
Protein change: p.Met6fs; shifts the reading frame from methionine 6.
Molecular consequence: frameshift variant. On other transcripts: 5 prime UTR variant (3).
Genome position (GRCh38, 1-based): chr10:18,140,753, T deleted. VCF-style (leftmost placement, unchanged base first): chr10-18140752-AT-A. GRCh37 (hg19) VCF-style: chr10-18429681-AT-A.
Other names: c.-427del (NM_001167945.2, NM_201571.4, NM_201572.4); c.17del, p.Met6fs (NM_201593.3, NM_201597.3); c.17delT (NM_201596.2); short protein forms M6fs.
Identifiers: ClinVar variation 190734 (VCV000190734.2), dbSNP rs786205787, ClinGen allele CA301878.